The following is an entry in ClinVar:

NM_018489.3(ASH1L):c.5175G>A (p.Glu1725=)

Gene: ASH1L (ASH1 like histone lysine methyltransferase; minus strand). Cytogenetic location: 1q22.
Variant type: single nucleotide variant.
Coding change: c.5175G>A on transcript NM_018489.3 (MANE Select); coding-DNA position 5175, G replaced by A.
Protein change: p.Glu1725=; no amino-acid change (glutamic acid 1725 retained).
Molecular consequence: synonymous variant.
Genome position (GRCh38, 1-based): chr1:155,438,980, C>T on the plus strand (G>A on the coding strand, the complement: ASH1L is on the minus strand). VCF-style: chr1-155438980-C-T. GRCh37 (hg19) VCF-style: chr1-155408771-C-T.
Other names: c.5175G>A, p.Glu1725= (NM_001366177.2).
Identifiers: ClinVar variation 720258 (VCV000720258.33), dbSNP rs72993423, ClinGen allele CA1146799.

ClinVar aggregate classification (germline): Benign/Likely benign. Review status: criteria provided, multiple submitters, no conflicts (2 of 4 stars). 4 submissions from 4 submitters: Benign (1); Likely benign (3). Last evaluated 2026-01-01.

Conditions:
Intellectual developmental disorder, autosomal dominant 52. Also called: Intellectual disability, autosomal dominant 52; Mental retardation, autosomal dominant 52. Identifiers: MedGen C4540478, MONDO:0030918, OMIM 617796.

Allele frequency attached by ClinVar (database versions not stated): gnomAD 0.00187 and 0.00205; ESP Exome Variant Server 0.00254; 1000 Genomes Project 0.00160; 1000 Genomes Project 30x 0.00234; gnomAD exomes 0.00018 and 0.00047; ExAC 0.00065; TOPMed 0.00214.
gnomAD v4.1: 559 of 1,614,170 alleles (0.035%); highest among the groups gnomAD compares: African/African-American, 0.69%; 1 homozygote.

Submissions (4):

CeGaT Center for Human Genetics Tuebingen
Classification: Likely benign. Last evaluated: 2026-01-01. Review status: criteria provided, single submitter. Criteria: CeGaT Center For Human Genetics Tuebingen Variant Classification Criteria Version 2. Collection method: clinical testing. Allele origin: germline. Affected: yes. Observed: 2 variant alleles.
Comment: ASH1L: BP4, BP7, BS1

Blueprint Genetics
Classification: Likely benign. Last evaluated: 2024-10-02. Review status: criteria provided, single submitter. Criteria: ACMG Guidelines, 2015. Collection method: clinical testing. Allele origin: germline.

Genome-Nilou Lab
Classification: Likely benign for Intellectual developmental disorder, autosomal dominant 52. Last evaluated: 2023-04-11. Review status: criteria provided, single submitter. Criteria: ACMG Guidelines, 2015. Collection method: clinical testing. Allele origin: germline. Affected: no.

Labcorp Genetics (formerly Invitae), Labcorp
Classification: Benign. Last evaluated: 2019-12-31. Review status: criteria provided, single submitter. Criteria: Invitae Variant Classification Sherloc (09022015). Collection method: clinical testing. Allele origin: germline.